The following is an entry in ClinVar:

NM_003690.5(PRKRA):c.319T>C (p.Phe107Leu)

Gene: PRKRA (protein activator of interferon induced protein kinase EIF2AK2; minus strand). Cytogenetic location: 2q31.2.
Variant type: single nucleotide variant.
Coding change: c.319T>C on transcript NM_003690.5 (MANE Select); coding-DNA position 319, T replaced by C.
Protein change: p.Phe107Leu; replaces phenylalanine 107 with leucine.
Molecular consequence: missense variant. On other transcripts: 5 prime UTR variant (1).
Genome position (GRCh38, 1-based): chr2:178,444,499, A>G on the plus strand (T>C on the coding strand, the complement: PRKRA is on the minus strand). VCF-style: chr2-178444499-A-G. GRCh37 (hg19) VCF-style: chr2-179309226-A-G.
Other names: c.286T>C, p.Phe96Leu (NM_001139517.2); c.244T>C, p.Phe82Leu (NM_001139518.2); c.-21T>C (NM_001316362.2); short protein forms F107L, F82L, F96L.
Identifiers: ClinVar variation 1004130 (VCV001004130.8), dbSNP rs1369422271, ClinGen allele CA349404955.

ClinVar aggregate classification (germline): Uncertain significance (1 of 4 stars; one submission).

Conditions:
Dystonia 16 (DYT16). Also called: DYT-PRKRA. Identifiers: Orphanet 210571, MedGen C2677567, MONDO:0012789, OMIM 612067.

Allele frequency attached by ClinVar (database versions not stated): gnomAD exomes below 0.00001; TOPMed below 0.00001.
gnomAD v4.1: 7 of 1,580,950 alleles (0.00044%); highest among the groups gnomAD compares: South Asian, 0.0033%; no homozygotes.

Submission:

Labcorp Genetics (formerly Invitae), Labcorp
Classification: Uncertain significance for Dystonia 16. Last evaluated: 2025-02-19. Review status: criteria provided, single submitter. Criteria: Invitae Variant Classification Sherloc (09022015). Collection method: clinical testing. Allele origin: germline.
Comment: This sequence change replaces phenylalanine, which is neutral and non-polar, with leucine, which is neutral and non-polar, at codon 107 of the PRKRA protein (p.Phe107Leu). This variant is present in population databases (no rsID available, gnomAD 0.003%). This variant has not been reported in the literature in individuals affected with PRKRA-related conditions. ClinVar contains an entry for this variant (Variation ID: 1004130). Invitae Evidence Modeling of protein sequence and biophysical properties (such as structural, functional, and spatial information, amino acid conservation, physicochemical variation, residue mobility, and thermodynamic stability) indicates that this missense variant is not expected to disrupt PRKRA protein function with a negative predictive value of 80%. In summary, the available evidence is currently insufficient to determine the role of this variant in disease. Therefore, it has been classified as a Variant of Uncertain Significance.